The following is an entry in ClinVar:

NM_001127222.2(CACNA1A):c.6147_6163del (p.Gln2049fs)

Gene: CACNA1A (calcium voltage-gated channel subunit alpha1 A; minus strand). Cytogenetic location: 19p13.13.
Variant type: Deletion.
Coding change: c.6147_6163del on transcript NM_001127222.2 (MANE Select); coding-DNA positions 6147 to 6163, 17 bases deleted (AGGCCCCCCTACCGACA).
Protein change: p.Gln2049fs; shifts the reading frame from glutamine 2049.
Molecular consequence: frameshift variant.
Genome position (GRCh38, 1-based): chr19:13,212,410-13,212,426, TGTCGGTAGGGGGGCCT deleted on the plus strand (AGGCCCCCCTACCGACA on the coding strand, the reverse complement: CACNA1A is on the minus strand); deleting any 17 consecutive bases within chr19:13,212,410-13,212,429 gives the same sequence; the c. name uses the placement nearest the transcript's 3' end. VCF-style (leftmost placement, unchanged base first): chr19-13212409-ATGTCGGTAGGGGGGCCT-A. GRCh37 (hg19) VCF-style: chr19-13323223-ATGTCGGTAGGGGGGCCT-A.
Other names: c.6165_6181del, p.Gln2055fs (NM_000068.4, NM_023035.3); c.6150_6166del, p.Gln2050fs (NM_001127221.2); c.6156_6172del, p.Gln2052fs (NM_001174080.2); short protein forms Q2049fs, Q2050fs, Q2052fs, Q2055fs.
Identifiers: ClinVar variation 1300496 (VCV001300496.3), dbSNP rs2144524536, ClinGen allele CA2573054727.

ClinVar aggregate classification (germline): Pathogenic (1 of 4 stars; one submission).

Submission:

GeneDx
Classification: Pathogenic. Last evaluated: 2024-10-28. Review status: criteria provided, single submitter. Criteria: GeneDx Variant Classification Process June 2021. Collection method: clinical testing. Allele origin: germline. Affected: yes.
Comment: Has not been previously published as pathogenic or benign to our knowledge; Frameshift variant predicted to result in protein truncation or nonsense mediated decay in a gene for which loss of function is a known mechanism of disease; Not observed at significant frequency in large population cohorts (gnomAD)